The following is an entry in ClinVar:

ClinVar aggregate classification (germline): Uncertain significance (1 of 4 stars; one submission).

gnomAD v4.1: 3 of 1,614,152 alleles (0.00019%); highest among the groups gnomAD compares: East Asian, 0.0067%; no homozygotes.

Submission:

Ambry Genetics
Classification: Uncertain significance. Last evaluated: 2025-01-06. Review status: criteria provided, single submitter. Criteria: Ambry Variant Classification Scheme 2023. Collection method: clinical testing. Allele origin: germline.
Comment: The p.V586A variant (also known as c.1757T>C), located in coding exon 9 of the ATRIP gene, results from a T to C substitution at nucleotide position 1757. The valine at codon 586 is replaced by alanine, an amino acid with similar properties. This amino acid position is conserved. In addition, this alteration is predicted to be tolerated by in silico analysis. Based on the available evidence, the clinical significance of this variant remains unclear.

NM_130384.3(ATRIP):c.1757T>C (p.Val586Ala)

Genes: ATRIP (ATR interacting protein; plus strand), ATRIP-TREX1 (ATRIP-TREX1 readthrough; plus strand). Cytogenetic location: 3p21.31.
Variant type: single nucleotide variant.
Coding change: c.1757T>C on transcript NM_130384.3 (MANE Select); coding-DNA position 1757, T replaced by C.
Protein change: p.Val586Ala; replaces valine 586 with alanine.
Molecular consequence: missense variant. On other transcripts: non-coding transcript variant (1).
Genome position (GRCh38, 1-based): chr3:48,463,756, T>C. VCF-style: chr3-48463756-T-C. GRCh37 (hg19) VCF-style: chr3-48505155-T-C.
Other names: c.1376T>C, p.Val459Ala (NM_001271022.2); c.1478T>C, p.Val493Ala (NM_001271023.2); c.1757T>C, p.Val586Ala (NM_032166.4); short protein forms V586A, V459A, V493A.
Identifiers: ClinVar variation 3809662 (VCV003809662.1).
Genomic context (GRCh38, chr3:48,463,756, plus strand): 5'-GGAGCTGGGGTTGGGGAGTGTCACGTCTCTCTGGGTCCCTGTCTTTTAGGTTCCAGTGTG[T>C]GTTCCAAGTGCTGCCAAAGTGCCTCAGCCCAGAGACACCCCTGCCTAGCGTGCTGCTGGC-3'
Protein context (NP_569055.1, residues 576-596): SCDFLPRFQC[Val586Ala]FQVLPKCLSP